The following is an entry in ClinVar:

NM_000492.4(CFTR):c.253_255del (p.Gly85del)

Gene: CFTR (CF transmembrane conductance regulator; plus strand). Cytogenetic location: 7q31.2.
Variant type: Deletion.
Coding change: c.253_255del on transcript NM_000492.4 (MANE Select); coding-DNA positions 253 to 255, 3 bases deleted (GGA; older notation c.253_255delGGA).
Protein change: p.Gly85del; deletes glycine 85.
Molecular consequence: inframe deletion.
Genome position (GRCh38, 1-based): chr7:117,509,122-117,509,124, GGA deleted. VCF-style (leftmost placement, unchanged base first): chr7-117509121-TGGA-T. GRCh37 (hg19) VCF-style: chr7-117149175-TGGA-T.
Other names: G85del.
Identifiers: ClinVar variation 1706006 (VCV001706006.1), dbSNP rs2484975542, ClinGen allele CA2580076304.

ClinVar aggregate classification (germline): Uncertain significance (1 of 4 stars; one submission).

Conditions:
Cystic fibrosis (CF). Also called: MUCOVISCIDOSIS. Identifiers: Orphanet 586, MedGen C0010674, MONDO:0009061, OMIM 219700. Disease mechanism: loss of function.

Submission:

Institute of Human Genetics, University of Leipzig Medical Center
Classification: Uncertain significance for Cystic fibrosis. Last evaluated: 2022-09-05. Review status: criteria provided, single submitter. Criteria: ACMG Guidelines, 2015. Collection method: curation. Allele origin: unknown. Affected: yes. Observed: 1 variant allele.
Comment: The variant was classified in the context of a project re-classifying variants in the German Cystic Fibrosis Registry (Muko.e.V.). Criteria applied: PM4_SUP, PM2_SUP, PP4